The following is an entry in ClinVar:

ClinVar aggregate classification (germline): Uncertain significance (1 of 4 stars; one submission).

Conditions:
Hereditary cancer-predisposing syndrome. Also called: Neoplastic Syndromes, Hereditary; Tumor predisposition; Hereditary Cancer Syndrome; Hereditary neoplastic syndrome. Identifiers: Orphanet 140162, MedGen C0027672, MeSH D009386, MONDO:0015356.

Submission:

Ambry Genetics
Classification: Uncertain significance for Hereditary cancer-predisposing syndrome. Last evaluated: 2026-04-28. Review status: criteria provided, single submitter. Criteria: Ambry Variant Classification Scheme 2023. Collection method: clinical testing. Allele origin: germline.
Comment: The p.I715T variant (also known as c.2144T>C), located in coding exon 18 of the EGFR gene, results from a T to C substitution at nucleotide position 2144. The isoleucine at codon 715 is replaced by threonine, an amino acid with similar properties. This amino acid position is not well conserved in available vertebrate species. In addition, this alteration is predicted to be tolerated by in silico analysis. Based on the available evidence, the clinical significance of this variant remains unclear.

NM_005228.5(EGFR):c.2144T>C (p.Ile715Thr)

Gene: EGFR (epidermal growth factor receptor; plus strand). Cytogenetic location: 7p11.2.
Variant type: single nucleotide variant.
Coding change: c.2144T>C on transcript NM_005228.5 (MANE Select); coding-DNA position 2144, T replaced by C.
Protein change: p.Ile715Thr; replaces isoleucine 715 with threonine.
Molecular consequence: missense variant.
Genome position (GRCh38, 1-based): chr7:55,174,003, T>C. VCF-style: chr7-55174003-T-C. GRCh37 (hg19) VCF-style: chr7-55241696-T-C.
Other names: c.2009T>C, p.Ile670Thr (NM_001346897.2, NM_001346899.2); c.2144T>C, p.Ile715Thr (NM_001346898.2); c.1985T>C, p.Ile662Thr (NM_001346900.2); c.1343T>C, p.Ile448Thr (NM_001346941.2); short protein forms I448T, I662T, I670T, I715T.
Identifiers: ClinVar variation 4870259 (VCV004870259.1).